The following is an entry in ClinVar:

ClinVar aggregate classification (germline): Uncertain significance (1 of 4 stars; one submission).

Conditions:
Aicardi-Goutieres syndrome 5. Identifiers: Orphanet 51, MedGen C2749659, MONDO:0013059, OMIM 612952.

Allele frequency attached by ClinVar (database versions not stated): gnomAD 0.00001; TOPMed 0.00002; gnomAD exomes 0.00003.
gnomAD v4.1: 38 of 1,613,794 alleles (0.0024%); highest among the groups gnomAD compares: Non-Finnish European, 0.0031%; no homozygotes.

Submission:

Labcorp Genetics (formerly Invitae), Labcorp
Classification: Uncertain significance for Aicardi-Goutieres syndrome 5. Last evaluated: 2022-04-12. Review status: criteria provided, single submitter. Criteria: Invitae Variant Classification Sherloc (09022015). Collection method: clinical testing. Allele origin: germline.
Comment: This sequence change replaces glycine, which is neutral and non-polar, with alanine, which is neutral and non-polar, at codon 183 of the SAMHD1 protein (p.Gly183Ala). This variant is not present in population databases (gnomAD no frequency). This variant has not been reported in the literature in individuals affected with SAMHD1-related conditions. Algorithms developed to predict the effect of missense changes on protein structure and function output the following: SIFT: "Tolerated"; PolyPhen-2: "Benign"; Align-GVGD: "Class C0". The alanine amino acid residue is found in multiple mammalian species, which suggests that this missense change does not adversely affect protein function. In summary, the available evidence is currently insufficient to determine the role of this variant in disease. Therefore, it has been classified as a Variant of Uncertain Significance.

NM_015474.4(SAMHD1):c.548G>C (p.Gly183Ala)

Gene: SAMHD1 (SAM and HD domain containing deoxynucleoside triphosphate triphosphohydrolase 1; minus strand). Cytogenetic location: 20q11.23.
Variant type: single nucleotide variant.
Coding change: c.548G>C on transcript NM_015474.4 (MANE Select); coding-DNA position 548, G replaced by C.
Protein change: p.Gly183Ala; replaces glycine 183 with alanine.
Molecular consequence: missense variant.
Genome position (GRCh38, 1-based): chr20:36,930,837, C>G on the plus strand (G>C on the coding strand, the complement: SAMHD1 is on the minus strand). VCF-style: chr20-36930837-C-G. GRCh37 (hg19) VCF-style: chr20-35559240-C-G.
Other names: c.548G>C, p.Gly183Ala (NM_001363729.2, NM_001363733.2); short protein forms G183A.
Identifiers: ClinVar variation 2139882 (VCV002139882.1), dbSNP rs1312230330, ClinGen allele CA408822242.